The following is an entry in ClinVar:

ClinVar aggregate classification (germline): Conflicting classifications of pathogenicity. Review status: criteria provided, conflicting classifications (1 of 4 stars). 4 submissions from 3 submitters: Uncertain significance (2); Likely benign (2). Last evaluated 2026-04-03.

Conditions:
Brain small vessel disease 1 with or without ocular anomalies (BSVD1). Also called: GOULD SYNDROME 1; PORENCEPHALY, TYPE 1, AUTOSOMAL DOMINANT; BRAIN SMALL VESSEL DISEASE WITH HEMORRHAGE; Brain small vessel disease with or without ocular anomalies. Identifiers: Orphanet 2940, Orphanet 36383, Orphanet 99810, MedGen C4755307, MONDO:0008289, OMIM 175780.
Autosomal dominant familial hematuria-retinal arteriolar tortuosity-contractures syndrome. Also called: Angiopathy, hereditary, with nephropathy, aneurysms, and muscle cramps; Hereditary Angiopathy with Nephropathy, Aneurysms, and Muscle Cramps (HANAC) Syndrome. Identifiers: Orphanet 73229, MedGen C2673195, MONDO:0012726, OMIM 611773.
COL4A1-related disorder. Also called: COL4A1-related condition; COL4A1-related disorders. Identifiers: MedGen CN376119, MONDO:0800461.

Allele frequency attached by ClinVar (database versions not stated): gnomAD exomes below 0.00001; gnomAD 0.00001; TOPMed 0.00001.
gnomAD v4.1: 8 of 1,610,920 alleles (0.0005%); highest among the groups gnomAD compares: Non-Finnish European, 0.00068%; no homozygotes.

Submissions (4):

PreventionGenetics, part of Exact Sciences
Classification: Likely benign for COL4A1-related condition. Last evaluated: 2026-04-03. Review status: criteria provided, single submitter. Criteria: ACMG Guidelines, 2015. Collection method: clinical testing. Allele origin: germline.
Comment: This variant is classified as likely benign based on ACMG/AMP sequence variant interpretation guidelines (Richards et al. 2015 PMID: 25741868, with internal and published modifications).

Labcorp Genetics (formerly Invitae), Labcorp
Classification: Likely benign. Last evaluated: 2025-11-04. Review status: criteria provided, single submitter. Criteria: Invitae Variant Classification Sherloc (09022015). Collection method: clinical testing. Allele origin: germline.

Illumina Laboratory Services, Illumina
Classification: Uncertain significance for Brain small vessel disease 1 with or without ocular anomalies. Last evaluated: 2018-01-12. Review status: criteria provided, single submitter. Criteria: ICSL Variant Classification Criteria 13 December 2019. Collection method: clinical testing. Allele origin: germline.

Illumina Laboratory Services, Illumina
Classification: Uncertain significance for Autosomal dominant familial hematuria-retinal arteriolar tortuosity-contractures syndrome. Last evaluated: 2018-01-12. Review status: criteria provided, single submitter. Criteria: ICSL Variant Classification Criteria 13 December 2019. Collection method: clinical testing. Allele origin: germline.

NM_001845.6(COL4A1):c.2095+7C>G

Gene: COL4A1 (collagen type IV alpha 1 chain; minus strand). Cytogenetic location: 13q34.
Variant type: single nucleotide variant.
Coding change: c.2095+7C>G on transcript NM_001845.6 (MANE Select); 7 bases into the intron after coding-DNA position 2095, C replaced by G.
Molecular consequence: intron variant.
Genome position (GRCh38, 1-based): chr13:110,182,986, G>C on the plus strand (C>G on the coding strand, the complement: COL4A1 is on the minus strand). VCF-style: chr13-110182986-G-C. GRCh37 (hg19) VCF-style: chr13-110835333-G-C.
Other names: c.2095+7C>G (NM_001845.5).
Identifiers: ClinVar variation 311059 (VCV000311059.12), dbSNP rs886049961, ClinGen allele CA10638957.